The following is an entry in ClinVar:

NM_000368.5(TSC1):c.2181A>G (p.Ala727=)

Gene: TSC1 (TSC complex subunit 1; minus strand). Cytogenetic location: 9q34.13.
Variant type: single nucleotide variant.
Coding change: c.2181A>G on transcript NM_000368.5 (MANE Select); coding-DNA position 2181, A replaced by G.
Protein change: p.Ala727=; no amino-acid change (alanine 727 retained).
Molecular consequence: synonymous variant.
Genome position (GRCh38, 1-based): chr9:132,903,678, T>C on the plus strand (A>G on the coding strand, the complement: TSC1 is on the minus strand). VCF-style: chr9-132903678-T-C. GRCh37 (hg19) VCF-style: chr9-135779065-T-C.
Other names: c.2178A>G, p.Ala726= (NM_001162426.2); c.2028A>G, p.Ala676= (NM_001162427.2); c.1818A>G, p.Ala606= (NM_001362177.2).
Identifiers: ClinVar variation 751963 (VCV000751963.18), dbSNP rs1588303703, ClinGen allele CA467590667.

ClinVar aggregate classification (germline): Likely benign. Review status: criteria provided, multiple submitters, no conflicts (2 of 4 stars). 2 submissions from 2 submitters: Likely benign (2). Last evaluated 2025-08-01.

Conditions:
Tuberous sclerosis 1 (TSC1). Identifiers: Orphanet 805, MedGen C1854465, MONDO:0008612, OMIM 191100.

Submissions (2):

CeGaT Center for Human Genetics Tuebingen
Classification: Likely benign. Last evaluated: 2025-08-01. Review status: criteria provided, single submitter. Criteria: CeGaT Center For Human Genetics Tuebingen Variant Classification Criteria Version 2. Collection method: clinical testing. Allele origin: germline. Affected: yes. Observed: 1 variant allele.
Comment: TSC1: PM2:Supporting, BP4, BP7

Labcorp Genetics (formerly Invitae), Labcorp
Classification: Likely benign for Tuberous sclerosis 1. Last evaluated: 2018-09-11. Review status: criteria provided, single submitter. Criteria: Invitae Variant Classification Sherloc (09022015). Collection method: clinical testing. Allele origin: germline.